The following is an entry in ClinVar:

NM_000489.6(ATRX):c.4362_4364del (p.Glu1464del)

Gene: ATRX (ATRX chromatin remodeler; minus strand). Cytogenetic location: Xq21.1.
Variant type: Deletion.
Coding change: c.4362_4364del on transcript NM_000489.6 (MANE Select); coding-DNA positions 4362 to 4364, 3 bases deleted (AGA; older notation c.4362_4364delAGA).
Protein change: p.Glu1464del; deletes glutamic acid 1464.
Molecular consequence: inframe deletion.
Genome position (GRCh38, 1-based): chrX:77,652,307-77,652,309, TCT deleted on the plus strand (AGA on the coding strand, the reverse complement: ATRX is on the minus strand); deleting any 3 consecutive bases within chrX:77,652,307-77,652,311 gives the same sequence; the c. name uses the placement nearest the transcript's 3' end. VCF-style (leftmost placement, unchanged base first): chrX-77652306-CTCT-C. GRCh37 (hg19) VCF-style: chrX-76907796-CTCT-C.
Other names: c.4248_4250del, p.Glu1426del (NM_138270.5); short protein forms E1426del, E1464del.
Identifiers: ClinVar variation 1900932 (VCV001900932.3), dbSNP rs782504922, ClinGen allele CA10457802.

ClinVar aggregate classification (germline): Uncertain significance (1 of 4 stars; one submission).

Conditions:
Alpha thalassemia-X-linked intellectual disability syndrome (ATRX). Also called: ATR, NONDELETION TYPE; ATR-X syndrome; Alpha thalassemia mental retardation syndrome, nondeletion type, X-linked; XLMR hypotonic face syndrome; ALPHA-THALASSEMIA/MENTAL RETARDATION SYNDROME, X-LINKED; X-linked alpha-thalassemia-mental retardation syndrome. Identifiers: Orphanet 847, MedGen C1845055, MONDO:0010519, OMIM 301040.

Submission:

Labcorp Genetics (formerly Invitae), Labcorp
Classification: Uncertain significance for Alpha thalassemia-X-linked intellectual disability syndrome. Last evaluated: 2025-08-03. Review status: criteria provided, single submitter. Criteria: Invitae Variant Classification Sherloc (09022015). Collection method: clinical testing. Allele origin: germline.
Comment: This variant, c.4362_4364del, results in the deletion of 1 amino acid(s) of the ATRX protein (p.Glu1464del), but otherwise preserves the integrity of the reading frame. The frequency data for this variant in the population databases is considered unreliable, as metrics indicate poor data quality at this position in the gnomAD database. This variant has not been reported in the literature in individuals affected with ATRX-related conditions. ClinVar contains an entry for this variant (Variation ID: 1900932). Experimental studies and prediction algorithms are not available or were not evaluated, and the functional significance of this variant is currently unknown. In summary, the available evidence is currently insufficient to determine the role of this variant in disease. Therefore, it has been classified as a Variant of Uncertain Significance.